The following is an entry in ClinVar:

NM_000064.4(C3):c.4862T>G (p.Ile1621Ser)

Gene: C3 (complement C3; minus strand). Cytogenetic location: 19p13.3.
Variant type: single nucleotide variant.
Coding change: c.4862T>G on transcript NM_000064.4 (MANE Select); coding-DNA position 4862, T replaced by G.
Protein change: p.Ile1621Ser; replaces isoleucine 1621 with serine.
Molecular consequence: missense variant.
Genome position (GRCh38, 1-based): chr19:6,678,012, A>C on the plus strand (T>G on the coding strand, the complement: C3 is on the minus strand). VCF-style: chr19-6678012-A-C. GRCh37 (hg19) VCF-style: chr19-6678023-A-C.
Other names: short protein forms I1621S.
Identifiers: ClinVar variation 2085001 (VCV002085001.4), dbSNP rs2512223996, ClinGen allele CA403610735.

ClinVar aggregate classification (germline): Uncertain significance (1 of 4 stars; one submission).

gnomAD v4.1: 1 of 1,613,964 alleles (0.000062%); highest among the groups gnomAD compares: Non-Finnish European, 0.000085%; no homozygotes.

Submission:

Labcorp Genetics (formerly Invitae), Labcorp
Classification: Uncertain significance. Last evaluated: 2024-11-18. Review status: criteria provided, single submitter. Criteria: Invitae Variant Classification Sherloc (09022015). Collection method: clinical testing. Allele origin: germline.
Comment: This sequence change replaces isoleucine, which is neutral and non-polar, with serine, which is neutral and polar, at codon 1621 of the C3 protein (p.Ile1621Ser). This variant is not present in population databases (gnomAD no frequency). This variant has not been reported in the literature in individuals affected with C3-related conditions. ClinVar contains an entry for this variant (Variation ID: 2085001). Invitae Evidence Modeling of protein sequence and biophysical properties (such as structural, functional, and spatial information, amino acid conservation, physicochemical variation, residue mobility, and thermodynamic stability) has been performed for this missense variant. However, the output from this modeling did not meet the statistical confidence thresholds required to predict the impact of this variant on C3 protein function. In summary, the available evidence is currently insufficient to determine the role of this variant in disease. Therefore, it has been classified as a Variant of Uncertain Significance.